The following is an entry in ClinVar:

NM_001127208.3(TET2):c.4385A>G (p.Lys1462Arg)

Genes: TET2 (tet methylcytosine dioxygenase 2; plus strand), TET2-AS1 (TET2 antisense RNA 1; minus strand). Cytogenetic location: 4q24.
Variant type: single nucleotide variant.
Coding change: c.4385A>G on transcript NM_001127208.3 (MANE Select); coding-DNA position 4385, A replaced by G.
Protein change: p.Lys1462Arg; replaces lysine 1462 with arginine.
Molecular consequence: missense variant.
Genome position (GRCh38, 1-based): chr4:105,272,766, A>G. VCF-style: chr4-105272766-A-G. GRCh37 (hg19) VCF-style: chr4-106193923-A-G.
Other names: short protein forms K1462R.
Identifiers: ClinVar variation 2876233 (VCV002876233.2), dbSNP rs1312376460, ClinGen allele CA357811664.

ClinVar aggregate classification (germline): Uncertain significance (1 of 4 stars; one submission).

Allele frequency attached by ClinVar (database versions not stated): gnomAD exomes below 0.00001.

Submission:

Labcorp Genetics (formerly Invitae), Labcorp
Classification: Uncertain significance. Last evaluated: 2022-12-14. Review status: criteria provided, single submitter. Criteria: Invitae Variant Classification Sherloc (09022015). Collection method: clinical testing. Allele origin: germline.
Comment: In summary, the available evidence is currently insufficient to determine the role of this variant in disease. Therefore, it has been classified as a Variant of Uncertain Significance. Algorithms developed to predict the effect of missense changes on protein structure and function are either unavailable or do not agree on the potential impact of this missense change (SIFT: "Tolerated"; PolyPhen-2: "Probably Damaging"; Align-GVGD: "Class C0"). This variant has not been reported in the literature in individuals affected with TET2-related conditions. This variant is present in population databases (no rsID available, gnomAD 0.002%). This sequence change replaces lysine, which is basic and polar, with arginine, which is basic and polar, at codon 1462 of the TET2 protein (p.Lys1462Arg).